The following is an entry in ClinVar:

ClinVar aggregate classification (germline): Conflicting classifications of pathogenicity. Review status: criteria provided, conflicting classifications (1 of 4 stars). 8 submissions from 7 submitters: Likely pathogenic (1); Uncertain significance (5). 2 of the submissions do not count toward it. Last evaluated 2026-10-02.

Conditions:
Paediatric disorders.
Neu-Laxova syndrome 1 (NLS1). Identifiers: Orphanet 2671, Orphanet 583607, MedGen C4551478, MONDO:0009736, OMIM 256520. Disease mechanism: loss of function.
PHGDH deficiency. Identifiers: Orphanet 79351, MedGen C1866174, MONDO:0011152, OMIM 601815.

Allele frequency attached by ClinVar (database versions not stated): gnomAD 0.00001; TOPMed 0.00001; gnomAD exomes 0.00002; ExAC 0.00003.

Submissions (8):

North West Genomic Laboratory Hub, Manchester University NHS Foundation Trust
Classification: Likely pathogenic for Paediatric disorders. Last evaluated: 2026-10-02. Review status: criteria provided, single submitter. Criteria: ACGS Best Practice Guidelines for Variant Classification in Rare Disease 2024. Collection method: clinical testing. Allele origin: germline. Affected: yes.
Comment: PP3_Supp PM2_Mod PM3_Str

Athena Diagnostics
Classification: Uncertain significance. Last evaluated: 2024-03-05. Review status: criteria provided, single submitter. Criteria: Athena Diagnostics Criteria. Collection method: clinical testing. Allele origin: unknown.
Comment: Available data are insufficient to determine the clinical significance of the variant at this time. The frequency of this variant in the general population is uninformative in assessment of its pathogenicity. At least one other missense variant at this codon is considered to be pathogenic or likely pathogenic, suggesting this variant may also cause disease. Computational tools predict that this variant is damaging.

Genome-Nilou Lab
Classification: Uncertain significance for Neu-Laxova syndrome 1. Last evaluated: 2023-04-11. Review status: criteria provided, single submitter. Criteria: ACMG Guidelines, 2015. Collection method: clinical testing. Allele origin: germline. Affected: no.

Genome-Nilou Lab
Classification: Uncertain significance for PHGDH deficiency. Last evaluated: 2023-04-11. Review status: criteria provided, single submitter. Criteria: ACMG Guidelines, 2015. Collection method: clinical testing. Allele origin: germline. Affected: no.

Labcorp Genetics (formerly Invitae), Labcorp
Classification: Uncertain significance for PHGDH deficiency. Last evaluated: 2022-07-06. Review status: criteria provided, single submitter. Criteria: Invitae Variant Classification Sherloc (09022015). Collection method: clinical testing. Allele origin: germline.
Comment: This sequence change replaces arginine, which is basic and polar, with tryptophan, which is neutral and slightly polar, at codon 163 of the PHGDH protein (p.Arg163Trp). This variant is present in population databases (rs772067625, gnomAD 0.003%). This missense change has been observed in individual(s) with clinical features of phosphoglycerate dehydrogenase deficiency (PMID: 26610677). In at least one individual the data is consistent with being in trans (on the opposite chromosome) from a pathogenic variant. ClinVar contains an entry for this variant (Variation ID: 378360). Algorithms developed to predict the effect of missense changes on protein structure and function are either unavailable or do not agree on the potential impact of this missense change (SIFT: "Deleterious"; PolyPhen-2: "Probably Damaging"; Align-GVGD: "Class C0"). This variant disrupts the p.Arg163 amino acid residue in PHGDH. Other variant(s) that disrupt this residue have been observed in individuals with PHGDH-related conditions (PMID: 24836451, 26610677, 30214071), which suggests that this may be a clinically significant amino acid residue. In summary, the available evidence is currently insufficient to determine the role of this variant in disease. Therefore, it has been classified as a Variant of Uncertain Significance.

GeneDx
Classification: Uncertain significance. Last evaluated: 2016-10-21. Review status: criteria provided, single submitter. Criteria: GeneDx Variant Classification (06012015). Collection method: clinical testing. Allele origin: germline. Affected: yes.
Comment: The R163W variant in the PHGDH gene has been reported previously in a patient with serine deficiency who was heterozygous for the R163W variant and heterozygous for another PHGDH variant (Brassier et al., 2016). The R163W variant is not observed at a significant frequency in large population cohorts (Lek et al., 2016; Exome Variant Server). The R163W variant is a non-conservative amino acid substitution, which is likely to impact secondary protein structure as these residues differ in polarity, charge, size and/or other properties. This substitution occurs at a position that is conserved across species, and in silico analysis predicts this variant is probably damaging to the protein structure/function. Based on review of the data in the context of the 2015 ACMG standards and guidelines for the interpretation of sequence variants (Richards et al., 2015), we now interpret R163W as a variant of uncertain significance.

OMIM
Classification: Pathogenic for PHOSPHOGLYCERATE DEHYDROGENASE DEFICIENCY. Last evaluated: 2024-04-08. Review status: no assertion criteria provided. Collection method: literature only. Allele origin: germline. Not counted in ClinVar's aggregate classification.

Natera, Inc.
Classification: Uncertain significance for Phosphoglycerate dehydrogenase deficiency. Last evaluated: 2020-01-16. Review status: no assertion criteria provided. Collection method: clinical testing. Allele origin: germline. Not counted in ClinVar's aggregate classification.

Literature cited by the submitters: PubMed 26610677 (cited by 3 submitters); PubMed 24836451 (cited by Labcorp Genetics (formerly Invitae), Labcorp); PubMed 30214071 (cited by Labcorp Genetics (formerly Invitae), Labcorp).

NM_006623.4(PHGDH):c.487C>T (p.Arg163Trp)

Gene: PHGDH (phosphoglycerate dehydrogenase; plus strand). Cytogenetic location: 1p12.
Variant type: single nucleotide variant.
Coding change: c.487C>T on transcript NM_006623.4 (MANE Select); coding-DNA position 487, C replaced by T.
Protein change: p.Arg163Trp; replaces arginine 163 with tryptophan.
Molecular consequence: missense variant.
Genome position (GRCh38, 1-based): chr1:119,727,079, C>T. VCF-style: chr1-119727079-C-T. GRCh37 (hg19) VCF-style: chr1-120269702-C-T.
Other names: short protein forms R163W.
Identifiers: ClinVar variation 378360 (VCV000378360.7), dbSNP rs772067625, ClinGen allele CA1037114.